The following is an entry in ClinVar:

ClinVar aggregate classification (germline): Conflicting classifications of pathogenicity. Review status: criteria provided, conflicting classifications (1 of 4 stars). 4 submissions from 4 submitters: Likely pathogenic (1); Uncertain significance (2). 1 of the submissions does not count toward it. Last evaluated 2025-01-19.

Conditions:
Congenital adrenal hyperplasia. Identifiers: Orphanet 418, MedGen C0001627, MONDO:0018479, HP:0008258.
Deficiency of steroid 11-beta-monooxygenase (CYP11B1). Also called: ADRENAL HYPERPLASIA, CONGENITAL, DUE TO STEROID 11-BETA-HYDROXYLASE DEFICIENCY; P450C11B1 DEFICIENCY; ADRENAL HYPERPLASIA IV; 11-BETA-HYDROXYLASE DEFICIENCY; STEROID 11-BETA-HYDROXYLASE DEFICIENCY; Congenital adrenal hyperplasia due to 11-beta-hydroxylase deficiency. Identifiers: Orphanet 90795, MedGen C0268292, MONDO:0008729, OMIM 202010. Disease mechanism: loss of function.

Allele frequency attached by ClinVar (database versions not stated): gnomAD 0.00001 and 0.00003; TOPMed 0.00001; gnomAD exomes 0.00002; ExAC 0.00003.
gnomAD v4.1: 30 of 1,614,230 alleles (0.0019%); highest among the groups gnomAD compares: South Asian, 0.0033%; no homozygotes.

Submissions (4):

Labcorp Genetics (formerly Invitae), Labcorp
Classification: Uncertain significance. Last evaluated: 2025-01-19. Review status: criteria provided, single submitter. Criteria: Invitae Variant Classification Sherloc (09022015). Collection method: clinical testing. Allele origin: germline.
Comment: This sequence change replaces aspartic acid, which is acidic and polar, with histidine, which is basic and polar, at codon 63 of the CYP11B1 protein (p.Asp63His). This variant is present in population databases (rs5282, gnomAD 0.004%). This variant has not been reported in the literature in individuals affected with CYP11B1-related conditions. ClinVar contains an entry for this variant (Variation ID: 553163). Invitae Evidence Modeling of protein sequence and biophysical properties (such as structural, functional, and spatial information, amino acid conservation, physicochemical variation, residue mobility, and thermodynamic stability) indicates that this missense variant is not expected to disrupt CYP11B1 protein function with a negative predictive value of 95%. In summary, the available evidence is currently insufficient to determine the role of this variant in disease. Therefore, it has been classified as a Variant of Uncertain Significance.

Women's Health and Genetics/Laboratory Corporation of America, LabCorp
Classification: Likely pathogenic for Congenital adrenal hyperplasia. Last evaluated: 2024-05-03. Review status: criteria provided, single submitter. Criteria: LabCorp Variant Classification Summary - May 2015. Collection method: clinical testing. Allele origin: germline.
Comment: Variant summary: CYP11B1 c.187G>C (p.Asp63His) results in a non-conservative amino acid change in the encoded protein sequence. Four of five in-silico tools predict a benign effect of the variant on protein function. The variant allele was found at a frequency of 2.4e-05 in 251400 control chromosomes.c.187G>C has been reported in the literature in at least one individual affected with Congenital Adrenal Hyperplasia, although in cis with a frameshift variant (e.g. Long_2016). This report not provide unequivocal conclusions about association of the variant with Congenital Adrenal Hyperplasia. At least one publication reports experimental evidence evaluating an impact on protein function, with COS-7 cells transfected with the variant showing 2% enzyme activity compared to ,cells transfected with wild-type (e.g. Long_2016). The following publication has been ascertained in the context of this evaluation (PMID: 26806323). ClinVar contains an entry for this variant (Variation ID: 553163). Based on the evidence outlined above, the variant was classified as likely pathogenic.

Blueprint Genetics
Classification: Uncertain significance. Last evaluated: 2024-03-19. Review status: criteria provided, single submitter. Criteria: ACMG Guidelines, 2015. Collection method: clinical testing. Allele origin: germline.

Counsyl
Classification: Uncertain significance for Deficiency of steroid 11-beta-monooxygenase. Last evaluated: 2017-07-31. Review status: no assertion criteria provided. Collection method: clinical testing. Allele origin: unknown. Not counted in ClinVar's aggregate classification.

Literature cited by the submitters: PubMed 26806323 (cited by Women's Health and Genetics/Laboratory Corporation of America, LabCorp and Counsyl); PubMed 19204079 (cited by Counsyl).

NM_000497.4(CYP11B1):c.187G>C (p.Asp63His)

Gene: CYP11B1 (cytochrome P450 family 11 subfamily B member 1; minus strand). Cytogenetic location: 8q24.3.
Variant type: single nucleotide variant.
Coding change: c.187G>C on transcript NM_000497.4 (MANE Select); coding-DNA position 187, G replaced by C.
Protein change: p.Asp63His; replaces aspartic acid 63 with histidine.
Molecular consequence: missense variant.
Genome position (GRCh38, 1-based): chr8:142,879,627, C>G on the plus strand (G>C on the coding strand, the complement: CYP11B1 is on the minus strand). VCF-style: chr8-142879627-C-G. GRCh37 (hg19) VCF-style: chr8-143961043-C-G.
Other names: c.187G>C, p.Asp63His (NM_001026213.1); short protein forms D63H.
Identifiers: ClinVar variation 553163 (VCV000553163.7), dbSNP rs5282, ClinGen allele CA4905689.
Genomic context (GRCh38, chr8:142,879,627, plus strand): 5'-GGCTTTACCTGAAAATGGGCCCTAGTTCCTGGAAGGTCTGGTGTACTTCCAGGTGCAGGT[C>G]CTCATAACCCTGCTCCCTCCAGATCTGCAGCAGCCTCAGCCACCTGTTGCCTGGACGCCG-3'
Protein context (NP_000488.3, residues 53-73): LQIWREQGYE[Asp63His]LHLEVHQTFQ